The following is an entry in ClinVar:

NM_023068.4(SIGLEC1):c.4532G>A (p.Cys1511Tyr)

Gene: SIGLEC1 (sialic acid binding Ig like lectin 1; minus strand). Cytogenetic location: 20p13.
Variant type: single nucleotide variant.
Coding change: c.4532G>A on transcript NM_023068.4 (MANE Select); coding-DNA position 4532, G replaced by A.
Protein change: p.Cys1511Tyr; replaces cysteine 1511 with tyrosine.
Molecular consequence: missense variant.
Genome position (GRCh38, 1-based): chr20:3,691,399, C>T on the plus strand (G>A on the coding strand, the complement: SIGLEC1 is on the minus strand). VCF-style: chr20-3691399-C-T. GRCh37 (hg19) VCF-style: chr20-3672046-C-T.
Other names: c.4532G>A, p.Cys1511Tyr (NM_001367089.1); short protein forms C1511Y.
Identifiers: ClinVar variation 2652176 (VCV002652176.24), dbSNP rs143489222, ClinGen allele CA9746127.

ClinVar aggregate classification (germline): Likely benign (1 of 4 stars; one submission).

Allele frequency attached by ClinVar (database versions not stated): 1000 Genomes Project 0.00120; 1000 Genomes Project 30x 0.00141; gnomAD 0.00267; ESP Exome Variant Server 0.00308.
gnomAD v4.1: 6,747 of 1,613,400 alleles (0.42%); highest among the groups gnomAD compares: Non-Finnish European, 0.54%; 28 homozygotes.

Submission:

CeGaT Center for Human Genetics Tuebingen
Classification: Likely benign. Last evaluated: 2023-02-01. Review status: criteria provided, single submitter. Criteria: CeGaT Center For Human Genetics Tuebingen Variant Classification Criteria Version 2. Collection method: clinical testing. Allele origin: germline. Affected: yes. Observed: 1 variant allele.
Comment: SIGLEC1: BS2